The following is an entry in ClinVar:

ClinVar aggregate classification (germline): Benign (1 of 4 stars; one submission).

Allele frequency attached by ClinVar (database versions not stated): 1000 Genomes Project 30x 0.27092; 1000 Genomes Project 0.27576; TOPMed 0.30130; gnomAD 0.31079 and 0.31416.
gnomAD v4.1: 47,753 of 152,054 alleles (31%); highest among the groups gnomAD compares: South Asian, 43%; 8,354 homozygotes.

Submission:

GeneDx
Classification: Benign. Last evaluated: 2018-06-14. Review status: criteria provided, single submitter. Criteria: GeneDx Variant Classification (06012015). Collection method: clinical testing. Allele origin: germline. Affected: yes.
Comment: This variant is considered likely benign or benign based on one or more of the following criteria: it is a conservative change, it occurs at a poorly conserved position in the protein, it is predicted to be benign by multiple in silico algorithms, and/or has population frequency not consistent with disease.

NM_003384.3(VRK1):c.161-220A>G

Gene: VRK1 (VRK serine/threonine kinase 1; plus strand). Cytogenetic location: 14q32.2.
Variant type: single nucleotide variant.
Coding change: c.161-220A>G on transcript NM_003384.3 (MANE Select); 220 bases into the intron before coding-DNA position 161, A replaced by G.
Molecular consequence: intron variant.
Genome position (GRCh38, 1-based): chr14:96,837,542, A>G. VCF-style: chr14-96837542-A-G. GRCh37 (hg19) VCF-style: chr14-97303879-A-G.
Identifiers: ClinVar variation 670271 (VCV000670271.1), dbSNP rs4905549, ClinGen allele CA266086403.